The following is an entry in ClinVar:

ClinVar aggregate classification (germline): Uncertain significance (1 of 4 stars; one submission).

Allele frequency attached by ClinVar (database versions not stated): gnomAD exomes below 0.00001 and 0.00001; ExAC 0.00001; gnomAD 0.00001.
gnomAD v4.1: 4 of 1,613,194 alleles (0.00025%); highest among the groups gnomAD compares: Middle Eastern, 0.016%; no homozygotes.

Submission:

Labcorp Genetics (formerly Invitae), Labcorp
Classification: Uncertain significance. Last evaluated: 2025-04-13. Review status: criteria provided, single submitter. Criteria: Invitae Variant Classification Sherloc (09022015). Collection method: clinical testing. Allele origin: germline.
Comment: This sequence change replaces glutamic acid, which is acidic and polar, with glutamine, which is neutral and polar, at codon 149 of the TFRC protein (p.Glu149Gln). This variant is present in population databases (rs750438577, gnomAD 0.0009%). This variant has not been reported in the literature in individuals affected with TFRC-related conditions. ClinVar contains an entry for this variant (Variation ID: 1516092). An algorithm developed to predict the effect of missense changes on protein structure and function outputs the following: PolyPhen-2: "Benign". The glutamine amino acid residue is found in multiple mammalian species, which suggests that this missense change does not adversely affect protein function. In summary, the available evidence is currently insufficient to determine the role of this variant in disease. Therefore, it has been classified as a Variant of Uncertain Significance.

NM_001128148.3(TFRC):c.445G>C (p.Glu149Gln)

Gene: TFRC (transferrin receptor; minus strand). Cytogenetic location: 3q29.
Variant type: single nucleotide variant.
Coding change: c.445G>C on transcript NM_001128148.3 (MANE Select); coding-DNA position 445, G replaced by C.
Protein change: p.Glu149Gln; replaces glutamic acid 149 with glutamine.
Molecular consequence: missense variant. On other transcripts: 5 prime UTR variant (1).
Genome position (GRCh38, 1-based): chr3:196,072,142, C>G on the plus strand (G>C on the coding strand, the complement: TFRC is on the minus strand). VCF-style: chr3-196072142-C-G. GRCh37 (hg19) VCF-style: chr3-195799013-C-G.
Other names: c.202G>C, p.Glu68Gln (NM_001313965.2); c.-402G>C (NM_001313966.2); c.445G>C, p.Glu149Gln (NM_003234.4); short protein forms E149Q, E68Q.
Identifiers: ClinVar variation 1516092 (VCV001516092.8), dbSNP rs750438577, ClinGen allele CA2778298.